The following is an entry in ClinVar:

ClinVar aggregate classification (germline): Uncertain significance (1 of 4 stars; one submission).

Allele frequency attached by ClinVar (database versions not stated): gnomAD exomes below 0.00001.
gnomAD v4.1: 4 of 1,613,774 alleles (0.00025%); highest among the groups gnomAD compares: Middle Eastern, 0.017%; no homozygotes.

Submission:

Labcorp Genetics (formerly Invitae), Labcorp
Classification: Uncertain significance. Last evaluated: 2022-05-08. Review status: criteria provided, single submitter. Criteria: Invitae Variant Classification Sherloc (09022015). Collection method: clinical testing. Allele origin: germline.
Comment: In summary, the available evidence is currently insufficient to determine the role of this variant in disease. Therefore, it has been classified as a Variant of Uncertain Significance. Algorithms developed to predict the effect of missense changes on protein structure and function output the following: SIFT: "Tolerated"; PolyPhen-2: "Not Available"; Align-GVGD: "Class C0". The glutamic acid amino acid residue is found in multiple mammalian species, which suggests that this missense change does not adversely affect protein function. This variant has not been reported in the literature in individuals affected with PCLO-related conditions. This variant is not present in population databases (gnomAD no frequency). This sequence change replaces aspartic acid, which is acidic and polar, with glutamic acid, which is acidic and polar, at codon 1311 of the PCLO protein (p.Asp1311Glu).

NM_033026.6(PCLO):c.3933T>G (p.Asp1311Glu)

Gene: PCLO (piccolo presynaptic cytomatrix protein; minus strand). Cytogenetic location: 7q21.11.
Variant type: single nucleotide variant.
Coding change: c.3933T>G on transcript NM_033026.6 (MANE Select); coding-DNA position 3933, T replaced by G.
Protein change: p.Asp1311Glu; replaces aspartic acid 1311 with glutamic acid.
Molecular consequence: missense variant.
Genome position (GRCh38, 1-based): chr7:82,965,855, A>C on the plus strand (T>G on the coding strand, the complement: PCLO is on the minus strand). VCF-style: chr7-82965855-A-C. GRCh37 (hg19) VCF-style: chr7-82595171-A-C.
Other names: c.3933T>G, p.Asp1311Glu (NM_014510.3); short protein forms D1311E.
Identifiers: ClinVar variation 1928923 (VCV001928923.5), dbSNP rs1231372803, ClinGen allele CA367931053.